The following is an entry in ClinVar:

ClinVar aggregate classification (germline): Uncertain significance. Review status: criteria provided, multiple submitters, no conflicts (2 of 4 stars). 3 submissions from 3 submitters: Uncertain significance (3). Last evaluated 2024-04-20.

Conditions:
Cardiomyopathy-hypotonia-lactic acidosis syndrome (MPCD). Identifiers: Orphanet 91130, MedGen C1835845, MONDO:0012557, OMIM 610773.

Allele frequency attached by ClinVar (database versions not stated): gnomAD 0.00001; TOPMed 0.00001.

Submissions (3):

Ambry Genetics
Classification: Uncertain significance. Last evaluated: 2024-04-20. Review status: criteria provided, single submitter. Criteria: Ambry Variant Classification Scheme 2023. Collection method: clinical testing. Allele origin: germline.

Pittsburgh Clinical Genomics Laboratory, University of Pittsburgh Medical Center
Classification: Uncertain significance for Cardiomyopathy-hypotonia-lactic acidosis syndrome. Last evaluated: 2022-03-24. Review status: criteria provided, single submitter. Criteria: ACMG Guidelines, 2015. Collection method: clinical testing. Allele origin: germline. Inheritance: Autosomal recessive inheritance. Affected: yes.
Comment: This sequence variant is a single nucleotide substitution (A>G) at coding position 544 of the SLC25A3 gene that results in a methionine to valine amino acid change at residue 182 of the SLC25A3 protein. This variant has not been previously reported to databases of clinically annotated variants and has not been observed in individuals with SLC25A3-related disease in the literature, to our knowledge. This variant modifies a residue within a solute carrier consensus sequence found in all solute carrier proteins (PMID: 25681081). Bioinformatic tools predict that this variant would be damaging, and the Met182 residue is highly conserved across the mammalian species examined. Functiol studies examining the effect of this variant on protein structure or activity have not been performed, to our knowledge. At this time, there is insufficient evidence to determine if this variant is pathogenic or benign. Therefore, we consider this a variant of uncertain significance. ACMG Criteria: PM2, PP3

Revvity Omics, Revvity
Classification: Uncertain significance for Cardiomyopathy-hypotonia-lactic acidosis syndrome. Last evaluated: 2022-03-11. Review status: criteria provided, single submitter. Criteria: ACMG Guidelines, 2015. Collection method: clinical testing. Allele origin: germline.

Literature cited by the submitters: PubMed 25681081 (cited by Pittsburgh Clinical Genomics Laboratory, University of Pittsburgh Medical Center).

NM_002635.4(SLC25A3):c.544A>G (p.Met182Val)

Gene: SLC25A3 (solute carrier family 25 member 3; plus strand). Cytogenetic location: 12q23.1.
Variant type: single nucleotide variant.
Coding change: c.544A>G on transcript NM_002635.4 (MANE Select); coding-DNA position 544, A replaced by G.
Protein change: p.Met182Val; replaces methionine 182 with valine.
Molecular consequence: missense variant.
Genome position (GRCh38, 1-based): chr12:98,598,606, A>G. VCF-style: chr12-98598606-A-G. GRCh37 (hg19) VCF-style: chr12-98992384-A-G.
Other names: c.547A>G, p.Met183Val (NM_005888.4); c.544A>G, p.Met182Val (NM_213611.3); short protein forms M182V, M183V.
Identifiers: ClinVar variation 2435997 (VCV002435997.5), dbSNP rs1271156554, ClinGen allele CA386166906.
Genomic context (GRCh38, chr12:98,598,606, plus strand): 5'-TCACTATATTTGGCTGCCTCTGCCAGTGCTGAATTCTTTGCTGACATTGCCCTGGCTCCT[A>G]TGGAAGCTGCTAAGGTTCGAATTCAAACCCAGCCAGGTTATGCCAACACTTTGAGGGATG-3'
Protein context (NP_002626.1, residues 172-192): EFFADIALAP[Met182Val]EAAKVRIQTQ